The following is an entry in ClinVar:

NM_015295.3(SMCHD1):c.3973G>A (p.Ala1325Thr)

Gene: SMCHD1 (structural maintenance of chromosomes flexible hinge domain containing 1; plus strand). Cytogenetic location: 18p11.32.
Variant type: single nucleotide variant.
Coding change: c.3973G>A on transcript NM_015295.3 (MANE Select); coding-DNA position 3973, G replaced by A.
Protein change: p.Ala1325Thr; replaces alanine 1325 with threonine.
Molecular consequence: missense variant.
Genome position (GRCh38, 1-based): chr18:2,750,088, G>A. VCF-style: chr18-2750088-G-A. GRCh37 (hg19) VCF-style: chr18-2750086-G-A.
Other names: short protein forms A1325T.
Identifiers: ClinVar variation 1019198 (VCV001019198.8), dbSNP rs2075542752, ClinGen allele CA401691520.

ClinVar aggregate classification (germline): Uncertain significance (1 of 4 stars; one submission).

Conditions:
Facioscapulohumeral muscular dystrophy 2 (FSHD2). Also called: MUSCULAR DYSTROPHY, FACIOSCAPULOHUMERAL, TYPE 1B; FACIOSCAPULOHUMERAL MUSCULAR DYSTROPHY 2, DIGENIC; FSHD2, DIGENIC. Identifiers: Orphanet 269, MedGen C1834671, MONDO:0008031, OMIM 158901.

gnomAD v4.1: 5 of 1,579,822 alleles (0.00032%); highest among the groups gnomAD compares: East Asian, 0.011%; no homozygotes.

Submission:

Labcorp Genetics (formerly Invitae), Labcorp
Classification: Uncertain significance for Facioscapulohumeral muscular dystrophy 2. Last evaluated: 2020-09-28. Review status: criteria provided, single submitter. Criteria: Invitae Variant Classification Sherloc (09022015). Collection method: clinical testing. Allele origin: germline.
Comment: This sequence change replaces alanine with threonine at codon 1325 of the SMCHD1 protein (p.Ala1325Thr). The alanine residue is highly conserved and there is a small physicochemical difference between alanine and threonine. This variant is not present in population databases (ExAC no frequency). This variant has not been reported in the literature in individuals with SMCHD1-related conditions. Algorithms developed to predict the effect of missense changes on protein structure and function are either unavailable or do not agree on the potential impact of this missense change (SIFT: "Tolerated"; PolyPhen-2: "Possibly Damaging"; Align-GVGD: "Class C0"). In summary, the available evidence is currently insufficient to determine the role of this variant in disease. Therefore, it has been classified as a Variant of Uncertain Significance.